The following is an entry in ClinVar:

ClinVar aggregate classification (germline): Uncertain significance. Review status: criteria provided, multiple submitters, no conflicts (2 of 4 stars). 3 submissions from 3 submitters: Uncertain significance (3). Last evaluated 2025-12-29.

Conditions:
Hereditary cancer-predisposing syndrome. Also called: Hereditary Cancer Syndrome; Hereditary neoplastic syndrome; Neoplastic Syndromes, Hereditary; Tumor predisposition. Identifiers: Orphanet 140162, MedGen C0027672, MeSH D009386, MONDO:0015356.

Submissions (3):

Labcorp Genetics (formerly Invitae), Labcorp
Classification: Uncertain significance. Last evaluated: 2025-12-29. Review status: criteria provided, single submitter. Criteria: Invitae Variant Classification Sherloc (09022015). Collection method: clinical testing. Allele origin: germline.
Comment: This sequence change replaces serine, which is neutral and polar, with leucine, which is neutral and non-polar, at codon 2084 of the POLE protein (p.Ser2084Leu). The frequency data for this variant in the population databases is considered unreliable, as metrics indicate poor data quality at this position in the gnomAD database. This variant has not been reported in the literature in individuals affected with POLE-related conditions. ClinVar contains an entry for this variant (Variation ID: 405615). An algorithm developed to predict the effect of missense changes on protein structure and function (PolyPhen-2) suggests that this variant is likely to be tolerated. In summary, the available evidence is currently insufficient to determine the role of this variant in disease. Therefore, it has been classified as a Variant of Uncertain Significance.

Ambry Genetics
Classification: Uncertain significance for Hereditary cancer-predisposing syndrome. Last evaluated: 2025-01-28. Review status: criteria provided, single submitter. Criteria: Ambry Variant Classification Scheme 2023. Collection method: clinical testing. Allele origin: germline.
Comment: The c.6251_6252delCAinsTG variant (also known as p.S2084L), located in coding exon 45 of the POLE gene, results from an in-frame deletion of CA and insertion of TG at nucleotide positions 6251 to 6252. This results in the substitution of the serine residue for a leucine residue at codon 2084, an amino acid with dissimilar properties. This amino acid position is highly conserved in available vertebrate species. In addition, this alteration is predicted to be neutral by in silico analysis (Choi Y et al. PLoS ONE. 2012; 7(10):e46688). Based on the available evidence, the clinical significance of this variant remains unclear.

GeneDx
Classification: Uncertain significance. Last evaluated: 2023-11-01. Review status: criteria provided, single submitter. Criteria: GeneDx Variant Classification Process June 2021. Collection method: clinical testing. Allele origin: germline. Affected: yes.
Comment: Not observed at significant frequency in large population cohorts (gnomAD); In silico analysis supports a deleterious effect on protein structure/function; Has not been previously published as pathogenic or benign to our knowledge

NM_006231.4(POLE):c.6251_6252inv (p.Ser2084Leu)

Gene: POLE (DNA polymerase epsilon, catalytic subunit; minus strand). Cytogenetic location: 12q24.33.
Variant type: Inversion.
Coding change: c.6251_6252inv on transcript NM_006231.4 (MANE Select).
Protein change: p.Ser2084Leu; replaces serine 2084 with leucine.
Molecular consequence: missense variant.
Genome position: GRCh38 VCF-style: chr12-132632393-TG-CA. GRCh37 (hg19) VCF-style: chr12-133208979-TG-CA.
Other names: c.6251_6252delinsTG (NM_006231.2); c.6251_6252delCAinsTG (NM_006231.2); short protein forms S2084L.
Identifiers: ClinVar variation 405615 (VCV000405615.11), ClinGen allele CA16613722.
Genomic context (GRCh38, chr12:132,632,393, plus strand): 5'-GAACTCCAGGGCAGGGTTATTGAGCAGCAAGTGGGAACCGGGGAGGACAGGAAACATCTC[TG>CA]AGAGCTCAGTGGAGTTCCGAGAGCCTGTGACTTTCTTCTGAATCTTCTGAGTGATGGTGA-3'
Protein context (NP_006222.2, residues 2074-2094): VTGSRNSTEL[Ser2084Leu]EMFPVLPGSH